The following is an entry in ClinVar:

NM_001379200.1(TBX1):c.76A>G (p.Ser26Gly)

Gene: TBX1 (T-box transcription factor 1; plus strand). Cytogenetic location: 22q11.21.
Variant type: single nucleotide variant.
Coding change: c.76A>G on transcript NM_001379200.1 (MANE Select); coding-DNA position 76, A replaced by G.
Protein change: p.Ser26Gly; replaces serine 26 with glycine.
Molecular consequence: missense variant.
Genome position (GRCh38, 1-based): chr22:19,760,919, A>G. VCF-style: chr22-19760919-A-G. GRCh37 (hg19) VCF-style: chr22-19748442-A-G.
Other names: c.49A>G, p.Ser17Gly (NM_005992.1, NM_080646.2, NM_080647.1); short protein forms S26G, S17G.
Identifiers: ClinVar variation 1744656 (VCV001744656.2), dbSNP rs1203640346, ClinGen allele CA410681100.

ClinVar aggregate classification (germline): Uncertain significance (1 of 4 stars; one submission).

Conditions:
Cardiovascular phenotype. Identifiers: MedGen CN230736.

Allele frequency attached by ClinVar (database versions not stated): gnomAD 0.00001; TOPMed 0.00002.

Submission:

Ambry Genetics
Classification: Uncertain significance for Cardiovascular phenotype. Last evaluated: 2018-06-19. Review status: criteria provided, single submitter. Criteria: Ambry Variant Classification Scheme 2023. Collection method: clinical testing. Allele origin: germline.
Comment: The p.S17G variant (also known as c.49A>G), located in coding exon 2 of the TBX1 gene, results from an A to G substitution at nucleotide position 49. The serine at codon 17 is replaced by glycine, an amino acid with similar properties. This amino acid position is highly conserved in available vertebrate species. In addition, this alteration is predicted to be tolerated by in silico analysis. Since supporting evidence is limited at this time, the clinical significance of this alteration remains unclear.